The following is an entry in ClinVar:

NM_006766.5(KAT6A):c.2651C>T (p.Ser884Phe)

Gene: KAT6A (lysine acetyltransferase 6A; minus strand). Cytogenetic location: 8p11.21.
Variant type: single nucleotide variant.
Coding change: c.2651C>T on transcript NM_006766.5 (MANE Select); coding-DNA position 2651, C replaced by T.
Protein change: p.Ser884Phe; replaces serine 884 with phenylalanine.
Molecular consequence: missense variant.
Genome position (GRCh38, 1-based): chr8:41,941,230, G>A on the plus strand (C>T on the coding strand, the complement: KAT6A is on the minus strand). VCF-style: chr8-41941230-G-A. GRCh37 (hg19) VCF-style: chr8-41798748-G-A.
Other names: short protein forms S884F.
Identifiers: ClinVar variation 3677994 (VCV003677994.2).

ClinVar aggregate classification (germline): Uncertain significance (1 of 4 stars; one submission).

Submission:

Labcorp Genetics (formerly Invitae), Labcorp
Classification: Uncertain significance. Last evaluated: 2024-06-24. Review status: criteria provided, single submitter. Criteria: Invitae Variant Classification Sherloc (09022015). Collection method: clinical testing. Allele origin: germline.
Comment: This sequence change replaces serine, which is neutral and polar, with phenylalanine, which is neutral and non-polar, at codon 884 of the KAT6A protein (p.Ser884Phe). This variant is not present in population databases (gnomAD no frequency). This variant has not been reported in the literature in individuals affected with KAT6A-related conditions. An algorithm developed to predict the effect of missense changes on protein structure and function (PolyPhen-2) suggests that this variant is likely to be disruptive. In summary, the available evidence is currently insufficient to determine the role of this variant in disease. Therefore, it has been classified as a Variant of Uncertain Significance.